The following is an entry in ClinVar:

ClinVar aggregate classification (germline): Conflicting classifications of pathogenicity. Review status: criteria provided, conflicting classifications (1 of 4 stars). 5 submissions from 5 submitters: Uncertain significance (1); Likely benign (3). 1 of the submissions does not count toward it. Last evaluated 2025-01-21.

Conditions:
Cardiovascular phenotype. Identifiers: MedGen CN230736.
Cardiomyopathy (CMYO). Also called: Cardiomyopathies. Identifiers: Orphanet 167848, MedGen C0878544, MONDO:0004994, HP:0001638. Inheritance: Various modes of inheritance.
Becker muscular dystrophy (BMD). Also called: MUSCULAR DYSTROPHY, PSEUDOHYPERTROPHIC PROGRESSIVE, BECKER TYPE; Becker Muscular Dystrophy (BMD). Identifiers: Orphanet 98895, MedGen C0917713, MONDO:0010311, OMIM 300376.
Duchenne muscular dystrophy (DMD). Also called: Duchenne Muscular Dystrophy (DMD); MUSCULAR DYSTROPHY, PSEUDOHYPERTROPHIC PROGRESSIVE, DUCHENNE TYPE. Identifiers: Orphanet 98896, MedGen C0013264, MONDO:0010679, OMIM 310200.
Dystrophin deficiency.

Allele frequency attached by ClinVar (database versions not stated): ExAC 0.00001; gnomAD 0.00004 and 0.00005; TOPMed 0.00005.
gnomAD v4.1: 12 of 1,210,378 alleles (0.00099%); highest among the groups gnomAD compares: African/African-American, 0.01%; no homozygotes.

Submissions (5):

Labcorp Genetics (formerly Invitae), Labcorp
Classification: Likely benign for Duchenne muscular dystrophy. Last evaluated: 2025-01-21. Review status: criteria provided, single submitter. Criteria: Invitae Variant Classification Sherloc (09022015). Collection method: clinical testing. Allele origin: germline.

Ambry Genetics
Classification: Likely benign for Cardiovascular phenotype. Last evaluated: 2023-03-03. Review status: criteria provided, single submitter. Criteria: Ambry Variant Classification Scheme 2023. Collection method: clinical testing. Allele origin: germline.

GeneDx
Classification: Likely benign. Last evaluated: 2016-10-17. Review status: criteria provided, single submitter. Criteria: GeneDx Variant Classification (06012015). Collection method: clinical testing. Allele origin: germline. Affected: yes.
Comment: This variant is considered likely benign or benign based on one or more of the following criteria: it is a conservative change, it occurs at a poorly conserved position in the protein, it is predicted to be benign by multiple in silico algorithms, and/or has population frequency not consistent with disease.

Eurofins Ntd Llc (ga)
Classification: Uncertain significance. Last evaluated: 2016-04-29. Review status: criteria provided, single submitter. Criteria: EGL Classification Definitions 2015. Collection method: clinical testing. Allele origin: germline. Observed: 1 variant allele, 1 heterozygote.

Natera, Inc.
Classification: Likely benign for Becker muscular dystrophy; Cardiomyopathy; Duchenne muscular dystrophy; Dystrophin deficiency. Last evaluated: 2020-01-20. Review status: no assertion criteria provided. Collection method: clinical testing. Allele origin: germline. Not counted in ClinVar's aggregate classification.

NM_004006.3(DMD):c.7914T>C (p.Asp2638=)

Gene: DMD (dystrophin; minus strand). Cytogenetic location: Xp21.1.
Variant type: single nucleotide variant.
Coding change: c.7914T>C on transcript NM_004006.3 (MANE Select); coding-DNA position 7914, T replaced by C.
Protein change: p.Asp2638=; no amino-acid change (aspartic acid 2638 retained).
Molecular consequence: synonymous variant.
Genome position (GRCh38, 1-based): chrX:31,658,103, A>G on the plus strand (T>C on the coding strand, the complement: DMD is on the minus strand). VCF-style: chrX-31658103-A-G. GRCh37 (hg19) VCF-style: chrX-31676220-A-G.
Other names: c.7890T>C, p.Asp2630= (NM_000109.4); c.7902T>C, p.Asp2634= (NM_004009.3); c.7545T>C, p.Asp2515= (NM_004010.3); c.3891T>C, p.Asp1297= (NM_004011.4); c.3882T>C, p.Asp1294= (NM_004012.4); c.534T>C, p.Asp178= (NM_004013.3, NM_004020.4, NM_004021.3 and 2 more transcripts).
Identifiers: ClinVar variation 287815 (VCV000287815.17), dbSNP rs754997935, ClinGen allele CA10378184.